The following is an entry in ClinVar:

NM_004519.4(KCNQ3):c.1800-12G>A

Gene: KCNQ3 (potassium voltage-gated channel subfamily Q member 3; minus strand). Cytogenetic location: 8q24.22.
Variant type: single nucleotide variant.
Coding change: c.1800-12G>A on transcript NM_004519.4 (MANE Select); 12 bases into the intron before coding-DNA position 1800, G replaced by A.
Molecular consequence: intron variant.
Genome position (GRCh38, 1-based): chr8:132,132,276, C>T on the plus strand (G>A on the coding strand, the complement: KCNQ3 is on the minus strand). VCF-style: chr8-132132276-C-T. GRCh37 (hg19) VCF-style: chr8-133144523-C-T.
Other names: c.1440-12G>A (NM_001204824.2).
Identifiers: ClinVar variation 382938 (VCV000382938.13), dbSNP rs761923188, ClinGen allele CA4880576.

ClinVar aggregate classification (germline): Likely benign. Review status: criteria provided, multiple submitters, no conflicts (2 of 4 stars). 4 submissions from 4 submitters: Likely benign (4). Last evaluated 2025-05-22.

Conditions:
Benign neonatal seizures. Also called: Convulsions benign familial neonatal dominant form; Autosomal dominant form of benign neonatal seizures; Benign familial neonatal seizures; Benign neonatal familial convulsions; Benign familial neonatal epilepsy. Identifiers: Orphanet 1949, MedGen C0220669, MONDO:0016027.

Allele frequency attached by ClinVar (database versions not stated): gnomAD exomes below 0.00001 and 0.00001; TOPMed below 0.00001; ExAC 0.00001; gnomAD 0.00001.
gnomAD v4.1: 12 of 1,597,596 alleles (0.00075%); highest among the groups gnomAD compares: South Asian, 0.0011%; no homozygotes.

Submissions (4):

Labcorp Genetics (formerly Invitae), Labcorp
Classification: Likely benign for Benign neonatal seizures. Last evaluated: 2025-05-22. Review status: criteria provided, single submitter. Criteria: Invitae Variant Classification Sherloc (09022015). Collection method: clinical testing. Allele origin: germline.

Women's Health and Genetics/Laboratory Corporation of America, LabCorp
Classification: Likely benign. Last evaluated: 2025-01-09. Review status: criteria provided, single submitter. Criteria: LabCorp Variant Classification Summary - May 2015. Collection method: clinical testing. Allele origin: germline.
Comment: Variant summary: KCNQ3 c.1800-12G>A alters a nucleotide located at a position not widely known to affect splicing. Consensus agreement among computation tools predict no significant impact on normal splicing (TrAP). However, these predictions have yet to be confirmed by functional studies. The variant allele was found at a frequency of 4e-06 in 251274 control chromosomes. The available data on variant occurrences in the general population are insufficient to allow any conclusion about variant significance. To our knowledge, no occurrence of c.1800-12G>A in individuals affected with Benign Familial Neonatal Seizures 2 and no experimental evidence demonstrating its impact on protein function have been reported. ClinVar contains an entry for this variant (Variation ID: 382938). Based on the evidence outlined above, the variant was classified as likely benign.

Blueprint Genetics
Classification: Likely benign. Last evaluated: 2023-08-24. Review status: criteria provided, single submitter. Criteria: ACMG Guidelines, 2015. Collection method: clinical testing. Allele origin: germline.

GeneDx
Classification: Likely benign. Last evaluated: 2016-01-20. Review status: criteria provided, single submitter. Criteria: GeneDx Variant Classification (06012015). Collection method: clinical testing. Allele origin: germline. Affected: yes.
Comment: This variant is considered likely benign or benign based on one or more of the following criteria: it is a conservative change, it occurs at a poorly conserved position in the protein, it is predicted to be benign by multiple in silico algorithms, and/or has population frequency not consistent with disease.